The following is an entry in ClinVar:

ClinVar aggregate classification (germline): Uncertain significance (1 of 4 stars; one submission).

Allele frequency attached by ClinVar (database versions not stated): ExAC 0.00002; TOPMed 0.00002; gnomAD exomes 0.00001; gnomAD 0.00003.

Submission:

Labcorp Genetics (formerly Invitae), Labcorp
Classification: Uncertain significance. Last evaluated: 2025-09-23. Review status: criteria provided, single submitter. Criteria: Invitae Variant Classification Sherloc (09022015). Collection method: clinical testing. Allele origin: germline.
Comment: This sequence change replaces proline, which is neutral and non-polar, with leucine, which is neutral and non-polar, at codon 301 of the GRIN2D protein (p.Pro301Leu). This variant is present in population databases (rs778228290, gnomAD 0.003%). This variant has not been reported in the literature in individuals affected with GRIN2D-related conditions. ClinVar contains an entry for this variant (Variation ID: 2917298). Invitae Evidence Modeling of protein sequence and biophysical properties (such as structural, functional, and spatial information, amino acid conservation, physicochemical variation, residue mobility, and thermodynamic stability) has been performed for this missense variant. However, the output from this modeling did not meet the statistical confidence thresholds required to predict the impact of this variant on GRIN2D protein function. In summary, the available evidence is currently insufficient to determine the role of this variant in disease. Therefore, it has been classified as a Variant of Uncertain Significance.

NM_000836.4(GRIN2D):c.902C>T (p.Pro301Leu)

Gene: GRIN2D (glutamate ionotropic receptor NMDA type subunit 2D; plus strand). Cytogenetic location: 19q13.33.
Variant type: single nucleotide variant.
Coding change: c.902C>T on transcript NM_000836.4 (MANE Select); coding-DNA position 902, C replaced by T.
Protein change: p.Pro301Leu; replaces proline 301 with leucine.
Molecular consequence: missense variant.
Genome position (GRCh38, 1-based): chr19:48,405,170, C>T. VCF-style: chr19-48405170-C-T. GRCh37 (hg19) VCF-style: chr19-48908427-C-T.
Other names: short protein forms P301L.
Identifiers: ClinVar variation 2917298 (VCV002917298.3), dbSNP rs778228290, ClinGen allele CA9550409.